The following is an entry in ClinVar:

ClinVar aggregate classification (germline): Uncertain significance (1 of 4 stars; one submission).

Allele frequency attached by ClinVar (database versions not stated): gnomAD 0.00001; TOPMed 0.00001; ExAC 0.00002.

Submission:

Labcorp Genetics (formerly Invitae), Labcorp
Classification: Uncertain significance. Last evaluated: 2024-02-14. Review status: criteria provided, single submitter. Criteria: Invitae Variant Classification Sherloc (09022015). Collection method: clinical testing. Allele origin: germline.
Comment: This sequence change replaces glycine, which is neutral and non-polar, with serine, which is neutral and polar, at codon 593 of the DUOX2 protein (p.Gly593Ser). This variant is present in population databases (rs778245367, gnomAD 0.001%). This variant has not been reported in the literature in individuals affected with DUOX2-related conditions. ClinVar contains an entry for this variant (Variation ID: 1380062). Advanced modeling of protein sequence and biophysical properties (such as structural, functional, and spatial information, amino acid conservation, physicochemical variation, residue mobility, and thermodynamic stability) has been performed at Invitae for this missense variant, however the output from this modeling did not meet the statistical confidence thresholds required to predict the impact of this variant on DUOX2 protein function. In summary, the available evidence is currently insufficient to determine the role of this variant in disease. Therefore, it has been classified as a Variant of Uncertain Significance.

NM_001363711.2(DUOX2):c.1777G>A (p.Gly593Ser)

Gene: DUOX2 (dual oxidase 2; minus strand). Cytogenetic location: 15q21.1.
Variant type: single nucleotide variant.
Coding change: c.1777G>A on transcript NM_001363711.2 (MANE Select); coding-DNA position 1777, G replaced by A.
Protein change: p.Gly593Ser; replaces glycine 593 with serine.
Molecular consequence: missense variant.
Genome position (GRCh38, 1-based): chr15:45,106,886, C>T on the plus strand (G>A on the coding strand, the complement: DUOX2 is on the minus strand). VCF-style: chr15-45106886-C-T. GRCh37 (hg19) VCF-style: chr15-45399084-C-T.
Other names: c.1777G>A, p.Gly593Ser (NM_014080.5); short protein forms G593S.
Identifiers: ClinVar variation 1380062 (VCV001380062.6), dbSNP rs778245367, ClinGen allele CA7538502.